The following is an entry in ClinVar:

ClinVar aggregate classification (germline): Conflicting classifications of pathogenicity. Review status: criteria provided, conflicting classifications (1 of 4 stars). 5 submissions from 5 submitters: Uncertain significance (2); Benign (1); Likely benign (2). Last evaluated 2025-11-10.

Conditions:
Hereditary ataxia. Also called: Hereditary Ataxias. Identifiers: Orphanet 183518, MedGen C0004138, MONDO:0100309, MONDO:0000557.

Allele frequency attached by ClinVar (database versions not stated): gnomAD 0.00019; gnomAD exomes 0.00019; 1000 Genomes Project 30x 0.00031; 1000 Genomes Project 0.00040; ExAC 0.00066.
gnomAD v4.1: 157 of 1,488,664 alleles (0.011%); highest among the groups gnomAD compares: South Asian, 0.058%; no homozygotes.

Submissions (5):

Labcorp Genetics (formerly Invitae), Labcorp
Classification: Benign. Last evaluated: 2025-11-10. Review status: criteria provided, single submitter. Criteria: Invitae Variant Classification Sherloc (09022015). Collection method: clinical testing. Allele origin: germline.

CeGaT Center for Human Genetics Tuebingen
Classification: Likely benign. Last evaluated: 2025-01-01. Review status: criteria provided, single submitter. Criteria: CeGaT Center For Human Genetics Tuebingen Variant Classification Criteria Version 2. Collection method: clinical testing. Allele origin: germline. Affected: yes. Observed: 2 variant alleles.
Comment: CAMK2B: BS2

Blueprint Genetics
Classification: Likely benign. Last evaluated: 2024-09-03. Review status: criteria provided, single submitter. Criteria: ACMG Guidelines, 2015. Collection method: clinical testing. Allele origin: germline.

Institute for Clinical Genetics, University Hospital TU Dresden, University Hospital TU Dresden
Classification: Uncertain significance. Last evaluated: 2021-11-03. Review status: criteria provided, single submitter. Criteria: ACMG Guidelines, 2015. Collection method: clinical testing. Allele origin: germline.

Cambridge Genomics Laboratory, East Genomic Laboratory Hub, NHS Genomic Medicine Service
Classification: Uncertain significance for Hereditary ataxia. Last evaluated: 2020-05-14. Review status: criteria provided, single submitter. Criteria: ACGS Best Practice Guidelines for Variant Classification in Rare Disease 2020. Collection method: clinical testing. Allele origin: germline. Affected: yes. Observed: 1 variant allele.

NM_001220.5(CAMK2B):c.1466C>T (p.Pro489Leu)

Gene: CAMK2B (calcium/calmodulin dependent protein kinase II beta; minus strand). Cytogenetic location: 7p13.
Variant type: single nucleotide variant.
Coding change: c.1466C>T on transcript NM_001220.5 (MANE Select); coding-DNA position 1466, C replaced by T.
Protein change: p.Pro489Leu; replaces proline 489 with leucine.
Molecular consequence: missense variant. On other transcripts: intron variant (8).
Genome position (GRCh38, 1-based): chr7:44,228,798, G>A on the plus strand (C>T on the coding strand, the complement: CAMK2B is on the minus strand). VCF-style: chr7-44228798-G-A. GRCh37 (hg19) VCF-style: chr7-44268397-G-A.
Other names: c.947-7897C>T (NM_172084.3); c.1150+2208C>T (NM_172080.3); c.1036+2208C>T (NM_172083.3); c.1108+2208C>T (NM_172081.3); c.1153+2208C>T (NM_172079.3, NM_172082.3); c.1225+2208C>T (NM_001293170.2, NM_172078.3); short protein forms P489L.
Identifiers: ClinVar variation 1319271 (VCV001319271.24), dbSNP rs555460132, ClinGen allele CA4240302.